The following is an entry in ClinVar:

ClinVar aggregate classification (germline): Conflicting classifications of pathogenicity. Review status: criteria provided, conflicting classifications (1 of 4 stars). 4 submissions from 4 submitters: Likely pathogenic (2); Uncertain significance (2). Last evaluated 2024-04-08.

Conditions:
MYO15A-related disorder. Also called: MYO15A-related condition.
Childhood onset hearing loss.

Allele frequency attached by ClinVar (database versions not stated): TOPMed below 0.00001; ExAC 0.00001; gnomAD 0.00001; gnomAD exomes 0.00001 and 0.00002.
gnomAD v4.1: 27 of 1,613,942 alleles (0.0017%); highest among the groups gnomAD compares: Non-Finnish European, 0.00093%; no homozygotes.

Submissions (4):

Women's Health and Genetics/Laboratory Corporation of America, LabCorp
Classification: Uncertain significance. Last evaluated: 2024-04-08. Review status: criteria provided, single submitter. Criteria: LabCorp Variant Classification Summary - May 2015. Collection method: clinical testing. Allele origin: germline.
Comment: Variant summary: MYO15A c.4216G>A (p.Glu1406Lys) results in a conservative amino acid change located in the Myosin head, motor domain (IPR001609) of the encoded protein sequence. Four of five in-silico tools predict a damaging effect of the variant on protein function. The variant allele was found at a frequency of 8e-06 in 249192 control chromosomes. c.4216G>A has been reported in the literature as a presumed/bi-allelic compound heterozygous genotype in at-least two individuals of Nigerian Yoruba and Ghanian ancestries respectively, each affected with Hearing Impairment (example, Adeyemo_2022, Wonkam_2022) and also as a non-informative genotype (second allele/genotype not specified) in another report of Japanese individuals with hearing impairment (example, Miyagawa_2013). These data indicate that the variant may be associated with disease. To our knowledge, no experimental evidence demonstrating an impact on protein function has been reported. The following publications have been ascertained in the context of this evaluation (PMID: 34837038, 23967202, 35440622). ClinVar contains an entry for this variant (Variation ID: 1027554). Based on the evidence outlined above, the variant was classified as VUS-possibly pathogenic.

Blueprint Genetics
Classification: Likely pathogenic for MYO15A-related disorders. Last evaluated: 2021-10-19. Review status: criteria provided, single submitter. Criteria: ACMG Guidelines, 2015. Collection method: clinical testing. Allele origin: germline. Affected: yes. Observed: 2 variant alleles.

National Institute on Deafness and Communication Disorders, National Institutes of Health
Classification: Uncertain significance for Childhood onset hearing loss. Last evaluated: 2021-07-08. Review status: criteria provided, single submitter. Criteria: ClinGen HL ACMG Specifications v1. Collection method: research. Allele origin: germline. Inheritance: Autosomal recessive inheritance. Affected: yes. Observed: 1 heterozygote. Segregation with disease not observed.
Comment: PM1, PM2, PP3 / Modifications from PMID: 30311386 for classification: The genetic causes of hearing loss have not yet been well characterized in the Yoruba population, and the information regarding variant MAF in this population is still limited, so we did not exclude any variant based on their "high" MAF. PP3 criteria was applied even if the REVEL score was below 0.7, if at least two of the pathogenicity prediction algorithms used predicted that the variant was damaging or likely damaging.

was found associated with NM_016239.4:c.6302T>C

GeneDx
Classification: Likely pathogenic. Last evaluated: 2020-07-09. Review status: criteria provided, single submitter. Criteria: GeneDx Variant Classification Process June 2021. Collection method: clinical testing. Allele origin: germline. Affected: yes.
Comment: Observed in two unrelated patients with hearing loss in published literature (Rehman et al., 2016; Miyagawa et al., 2013); however, additional information was not provided; In silico analysis, which includes protein predictors and evolutionary conservation, supports a deleterious effect; This variant is associated with the following publications: (PMID: 23967202, 27375115)

Literature cited by the submitters: PubMed 23967202 (cited by Women's Health and Genetics/Laboratory Corporation of America, LabCorp); PubMed 34837038 (cited by Women's Health and Genetics/Laboratory Corporation of America, LabCorp); PubMed 35440622 (cited by Women's Health and Genetics/Laboratory Corporation of America, LabCorp).

NM_016239.4(MYO15A):c.4216G>A (p.Glu1406Lys)

Gene: MYO15A (myosin XVA; plus strand). Cytogenetic location: 17p11.2.
Variant type: single nucleotide variant.
Coding change: c.4216G>A on transcript NM_016239.4 (MANE Select); coding-DNA position 4216, G replaced by A.
Protein change: p.Glu1406Lys; replaces glutamic acid 1406 with lysine.
Molecular consequence: missense variant.
Genome position (GRCh38, 1-based): chr17:18,132,462, G>A. VCF-style: chr17-18132462-G-A. GRCh37 (hg19) VCF-style: chr17-18035776-G-A.
Other names: short protein forms E1406K.
Identifiers: ClinVar variation 1027554 (VCV001027554.7), dbSNP rs759810756, ClinGen allele CA8423826.